The following is an entry in ClinVar:

NM_203446.3(SYNJ1):c.1114C>G (p.Gln372Glu)

Gene: SYNJ1 (synaptojanin 1; minus strand). Cytogenetic location: 21q22.11.
Variant type: single nucleotide variant.
Coding change: c.1114C>G on transcript NM_203446.3 (MANE Select); coding-DNA position 1114, C replaced by G.
Protein change: p.Gln372Glu; replaces glutamine 372 with glutamic acid.
Molecular consequence: missense variant.
Genome position (GRCh38, 1-based): chr21:32,685,752, G>C on the plus strand (C>G on the coding strand, the complement: SYNJ1 is on the minus strand). VCF-style: chr21-32685752-G-C. GRCh37 (hg19) VCF-style: chr21-34058062-G-C.
Other names: c.1114C>G, p.Gln372Glu (NM_001160302.2, NM_001160306.2); c.1231C>G, p.Gln411Glu (NM_003895.4); short protein forms Q372E, Q411E.
Identifiers: ClinVar variation 1915449 (VCV001915449.2), dbSNP rs757762568, ClinGen allele CA10003970.
Genomic context (GRCh38, chr21:32,685,752, plus strand): 5'-GAATAATTTTTAATTAATGTTCCAATTCAAAGAACAGAGAAACAGAACAGTCAAACCTTT[G>C]AACTTCACTTCCATTGAAATAAAAAAATCCATAATCTAGAAACTTCTGGACTTGAGGTTT-3'
Protein context (NP_982271.3, residues 362-382): GFFYFNGSEV[Gln372Glu]RCQSGTVRTN

ClinVar aggregate classification (germline): Uncertain significance (1 of 4 stars; one submission).

Conditions:
Developmental and epileptic encephalopathy, 53. Also called: Epileptic encephalopathy, early infantile, 53. Identifiers: MedGen C4479313, MONDO:0033362, OMIM 617389.
Early-onset Parkinson disease 20. Also called: PARKINSON DISEASE 20, AUTOSOMAL RECESSIVE EARLY-ONSET. Identifiers: Orphanet 391411, MedGen C3809824, MONDO:0014233, OMIM 615530.

Allele frequency attached by ClinVar (database versions not stated): TOPMed below 0.00001; ExAC 0.00001.
gnomAD v4.1: 6 of 1,600,246 alleles (0.00037%); highest among the groups gnomAD compares: South Asian, 0.0057%; no homozygotes.

Submission:

Labcorp Genetics (formerly Invitae), Labcorp
Classification: Uncertain significance for Developmental and epileptic encephalopathy, 53; Early-onset Parkinson disease 20. Last evaluated: 2022-04-12. Review status: criteria provided, single submitter. Criteria: Invitae Variant Classification Sherloc (09022015). Collection method: clinical testing. Allele origin: germline.
Comment: This sequence change replaces glutamine, which is neutral and polar, with glutamic acid, which is acidic and polar, at codon 411 of the SYNJ1 protein (p.Gln411Glu). This variant is present in population databases (rs757762568, gnomAD 0.01%). This variant has not been reported in the literature in individuals affected with SYNJ1-related conditions. Algorithms developed to predict the effect of missense changes on protein structure and function (SIFT, PolyPhen-2, Align-GVGD) all suggest that this variant is likely to be tolerated. In summary, the available evidence is currently insufficient to determine the role of this variant in disease. Therefore, it has been classified as a Variant of Uncertain Significance.